The following is an entry in ClinVar:

ClinVar aggregate classification (germline): Uncertain significance. Review status: criteria provided, multiple submitters, no conflicts (2 of 4 stars). 4 submissions from 4 submitters: Uncertain significance (4). Last evaluated 2026-09-08.

Conditions:
Autosomal recessive limb-girdle muscular dystrophy type 2Q (LGMDR17). Also called: MUSCULAR DYSTROPHY, LIMB-GIRDLE, AUTOSOMAL RECESSIVE 17. Identifiers: Orphanet 254361, MedGen C3150989, MONDO:0013390, OMIM 613723.
Epidermolysis bullosa simplex, Ogna type (EBS5A). Also called: Pidermolysis bullosa simplex 5A, Ogna type; EPIDERMOLYSIS BULLOSA SIMPLEX 5A, OGNA TYPE. Identifiers: Orphanet 79401, MedGen C0432317, MONDO:0007555, OMIM 131950.
Epidermolysis bullosa simplex 5B, with muscular dystrophy (EBS5B). Also called: EPIDERMOLYSIS BULLOSA SIMPLEX AND LIMB-GIRDLE MUSCULAR DYSTROPHY; Epidermolysis bullosa simplex with muscular dystrophy. Identifiers: Orphanet 257, MedGen C2931072, MONDO:0009181, OMIM 226670.
Epidermolysis bullosa simplex 5C, with pyloric atresia (EBS5C). Also called: PLEC-Related Epidermolysis Bullosa with Pyloric Atresia; Epidermolysis bullosa simplex with pyloric atresia; PLEC1-Related Epidermolysis Bullosa with Pyloric Atresia. Identifiers: Orphanet 158684, MedGen C2677349, MONDO:0012807, OMIM 612138.
Epidermolysis bullosa simplex with nail dystrophy (EBS5D). Identifiers: MedGen C4225309, MONDO:0014661, OMIM 616487.
Inborn genetic diseases. Identifiers: MedGen C0950123, MeSH D030342.
PLEC-related disorder. Also called: PLEC-related disorders; PLEC-related condition.

Allele frequency attached by ClinVar (database versions not stated): gnomAD exomes 0.00003; TOPMed 0.00003; ExAC 0.00004; gnomAD 0.00001 and 0.00002.
gnomAD v4.1: 28 of 1,547,126 alleles (0.0018%); highest among the groups gnomAD compares: East Asian, 0.0073%; no homozygotes.

Submissions (4):

PreventionGenetics, part of Exact Sciences
Classification: Uncertain significance for PLEC-related condition. Last evaluated: 2026-09-08. Review status: criteria provided, single submitter. Criteria: ACMG Guidelines, 2015. Collection method: clinical testing. Allele origin: germline.
Comment: The PLEC c.6325G>A variant is predicted to result in the amino acid substitution p.Glu2109Lys. To our knowledge, this variant has not been reported in the literature. This variant is reported in 0.0085% of alleles in individuals of East Asian descent in gnomAD. At this time, the clinical significance of this variant is uncertain due to the absence of conclusive functional and genetic evidence.

Labcorp Genetics (formerly Invitae), Labcorp
Classification: Uncertain significance for Autosomal recessive limb-girdle muscular dystrophy type 2Q; Epidermolysis bullosa simplex, Ogna type; Epidermolysis bullosa simplex with nail dystrophy; Epidermolysis bullosa simplex 5C, with pyloric atresia; Epidermolysis bullosa simplex 5B, with muscular dystrophy. Last evaluated: 2025-04-26. Review status: criteria provided, single submitter. Criteria: Invitae Variant Classification Sherloc (09022015). Collection method: clinical testing. Allele origin: germline.
Comment: This sequence change replaces glutamic acid, which is acidic and polar, with lysine, which is basic and polar, at codon 2109 of the PLEC protein (p.Glu2109Lys). This variant is present in population databases (rs782506688, gnomAD 0.009%). This variant has not been reported in the literature in individuals affected with PLEC-related conditions. ClinVar contains an entry for this variant (Variation ID: 1419403). An algorithm developed to predict the effect of missense changes on protein structure and function (PolyPhen-2) suggests that this variant is likely to be tolerated. In summary, the available evidence is currently insufficient to determine the role of this variant in disease. Therefore, it has been classified as a Variant of Uncertain Significance.

Revvity Omics, Revvity
Classification: Uncertain significance. Last evaluated: 2024-05-28. Review status: criteria provided, single submitter. Criteria: ACMG Guidelines, 2015. Collection method: clinical testing. Allele origin: germline.

Ambry Genetics
Classification: Uncertain significance for Inborn genetic diseases. Last evaluated: 2023-04-04. Review status: criteria provided, single submitter. Criteria: Ambry Variant Classification Scheme 2023. Collection method: clinical testing. Allele origin: germline.

NM_201384.3(PLEC):c.6244G>A (p.Glu2082Lys)

Gene: PLEC (plectin; minus strand). Cytogenetic location: 8q24.3.
Variant type: single nucleotide variant.
Coding change: c.6244G>A on transcript NM_201384.3 (MANE Select); coding-DNA position 6244, G replaced by A.
Protein change: p.Glu2082Lys; replaces glutamic acid 2082 with lysine.
Molecular consequence: missense variant.
Genome position (GRCh38, 1-based): chr8:143,923,685, C>T on the plus strand (G>A on the coding strand, the complement: PLEC is on the minus strand). VCF-style: chr8-143923685-C-T. GRCh37 (hg19) VCF-style: chr8-144997853-C-T.
Other names: c.6325G>A (NM_000445.3, NM_000445.4); c.6325G>A, p.Glu2109Lys (NM_000445.5); c.6202G>A, p.Glu2068Lys (NM_201378.4); c.6178G>A, p.Glu2060Lys (NM_201379.3); c.6655G>A, p.Glu2219Lys (NM_201380.4); c.6148G>A, p.Glu2050Lys (NM_201381.3); c.6244G>A, p.Glu2082Lys (NM_201382.4); c.6256G>A, p.Glu2086Lys (NM_201383.3); short protein forms E2068K, E2086K, E2219K, E2050K, E2060K, E2082K, E2109K.
Identifiers: ClinVar variation 1419403 (VCV001419403.11), dbSNP rs782506688, ClinGen allele CA4926069.